The following is an entry in ClinVar:

ClinVar aggregate classification (germline): Uncertain significance. Review status: criteria provided, multiple submitters, no conflicts (2 of 4 stars). 2 submissions from 2 submitters: Uncertain significance (2). Last evaluated 2025-06-06.

Conditions:
Oligodontia-cancer predisposition syndrome. Also called: TOOTH AGENESIS-COLORECTAL CANCER SYNDROME. Identifiers: Orphanet 300576, MedGen C1837750, MONDO:0012075, OMIM 608615. Disease mechanism: loss of function.
Hereditary cancer-predisposing syndrome. Also called: Hereditary Cancer Syndrome; Tumor predisposition; Neoplastic Syndromes, Hereditary; Hereditary neoplastic syndrome. Identifiers: Orphanet 140162, MedGen C0027672, MeSH D009386, MONDO:0015356.

Submissions (2):

Labcorp Genetics (formerly Invitae), Labcorp
Classification: Uncertain significance for Oligodontia-cancer predisposition syndrome. Last evaluated: 2025-06-06. Review status: criteria provided, single submitter. Criteria: Invitae Variant Classification Sherloc (09022015). Collection method: clinical testing. Allele origin: germline.
Comment: This sequence change replaces proline, which is neutral and non-polar, with serine, which is neutral and polar, at codon 418 of the AXIN2 protein (p.Pro418Ser). This variant is not present in population databases (gnomAD no frequency). This variant has not been reported in the literature in individuals affected with AXIN2-related conditions. ClinVar contains an entry for this variant (Variation ID: 2030682). Invitae Evidence Modeling of protein sequence and biophysical properties (such as structural, functional, and spatial information, amino acid conservation, physicochemical variation, residue mobility, and thermodynamic stability) indicates that this missense variant is not expected to disrupt AXIN2 protein function with a negative predictive value of 80%. In summary, the available evidence is currently insufficient to determine the role of this variant in disease. Therefore, it has been classified as a Variant of Uncertain Significance.

Ambry Genetics
Classification: Uncertain significance for Hereditary cancer-predisposing syndrome. Last evaluated: 2025-03-31. Review status: criteria provided, single submitter. Criteria: Ambry Variant Classification Scheme 2023. Collection method: clinical testing. Allele origin: germline.
Comment: The p.P418S variant (also known as c.1252C>T), located in coding exon 5 of the AXIN2 gene, results from a C to T substitution at nucleotide position 1252. The proline at codon 418 is replaced by serine, an amino acid with similar properties. This amino acid position is conserved. In addition, this alteration is predicted to be tolerated by in silico analysis. Based on the available evidence, the clinical significance of this variant remains unclear.

NM_004655.4(AXIN2):c.1252C>T (p.Pro418Ser)

Gene: AXIN2 (axin 2; minus strand). Cytogenetic location: 17q24.1.
Variant type: single nucleotide variant.
Coding change: c.1252C>T on transcript NM_004655.4 (MANE Select); coding-DNA position 1252, C replaced by T.
Protein change: p.Pro418Ser; replaces proline 418 with serine.
Molecular consequence: missense variant.
Genome position (GRCh38, 1-based): chr17:65,537,784, G>A on the plus strand (C>T on the coding strand, the complement: AXIN2 is on the minus strand). VCF-style: chr17-65537784-G-A. GRCh37 (hg19) VCF-style: chr17-63533902-G-A.
Other names: c.1252C>T, p.Pro418Ser (NM_001363813.1); short protein forms P418S.
Identifiers: ClinVar variation 2030682 (VCV002030682.5), dbSNP rs2144467590, ClinGen allele CA400677874.